The following is an entry in ClinVar:

NM_201384.3(PLEC):c.9085G>A (p.Val3029Ile)

Gene: PLEC (plectin; minus strand). Cytogenetic location: 8q24.3.
Variant type: single nucleotide variant.
Coding change: c.9085G>A on transcript NM_201384.3 (MANE Select); coding-DNA position 9085, G replaced by A.
Protein change: p.Val3029Ile; replaces valine 3029 with isoleucine.
Molecular consequence: missense variant.
Genome position (GRCh38, 1-based): chr8:143,920,736, C>T on the plus strand (G>A on the coding strand, the complement: PLEC is on the minus strand). VCF-style: chr8-143920736-C-T. GRCh37 (hg19) VCF-style: chr8-144994904-C-T.
Other names: c.9166G>A, p.Val3056Ile (NM_000445.5); c.9043G>A, p.Val3015Ile (NM_201378.4); c.9019G>A, p.Val3007Ile (NM_201379.3); c.9496G>A, p.Val3166Ile (NM_201380.4); c.8989G>A, p.Val2997Ile (NM_201381.3); c.9085G>A, p.Val3029Ile (NM_201382.4); c.9097G>A, p.Val3033Ile (NM_201383.3); c.9166G>A (NM_000445.3); short protein forms V3166I, V3007I, V3029I, V3015I, V3056I, V2997I, V3033I.
Identifiers: ClinVar variation 835043 (VCV000835043.9), dbSNP rs781937969, ClinGen allele CA4925078.

ClinVar aggregate classification (germline): Uncertain significance. Review status: criteria provided, multiple submitters, no conflicts (2 of 4 stars). 3 submissions from 3 submitters: Uncertain significance (3). Last evaluated 2026-03-12.

Conditions:
Epidermolysis bullosa simplex 5C, with pyloric atresia (EBS5C). Also called: PLEC-Related Epidermolysis Bullosa with Pyloric Atresia; Epidermolysis bullosa simplex with pyloric atresia; PLEC1-Related Epidermolysis Bullosa with Pyloric Atresia. Identifiers: Orphanet 158684, MedGen C2677349, MONDO:0012807, OMIM 612138.
Epidermolysis bullosa simplex 5B, with muscular dystrophy (EBS5B). Also called: EPIDERMOLYSIS BULLOSA SIMPLEX AND LIMB-GIRDLE MUSCULAR DYSTROPHY; Epidermolysis bullosa simplex with muscular dystrophy. Identifiers: Orphanet 257, MedGen C2931072, MONDO:0009181, OMIM 226670.
Epidermolysis bullosa simplex with nail dystrophy (EBS5D). Identifiers: MedGen C4225309, MONDO:0014661, OMIM 616487.
Epidermolysis bullosa simplex, Ogna type (EBS5A). Also called: Pidermolysis bullosa simplex 5A, Ogna type; EPIDERMOLYSIS BULLOSA SIMPLEX 5A, OGNA TYPE. Identifiers: Orphanet 79401, MedGen C0432317, MONDO:0007555, OMIM 131950.
Autosomal recessive limb-girdle muscular dystrophy type 2Q (LGMDR17). Also called: MUSCULAR DYSTROPHY, LIMB-GIRDLE, AUTOSOMAL RECESSIVE 17. Identifiers: Orphanet 254361, MedGen C3150989, MONDO:0013390, OMIM 613723.
PLEC-related disorder. Also called: PLEC-related condition; PLEC-related disorders.
Inborn genetic diseases. Identifiers: MedGen C0950123, MeSH D030342.

Allele frequency attached by ClinVar (database versions not stated): gnomAD 0.00005 and 0.00006; TOPMed 0.00005.
gnomAD v4.1: 24 of 1,604,168 alleles (0.0015%); highest among the groups gnomAD compares: Admixed American, 0.013%; no homozygotes.

Submissions (3):

PreventionGenetics, part of Exact Sciences
Classification: Uncertain significance for PLEC-related condition. Last evaluated: 2026-03-12. Review status: criteria provided, single submitter. Criteria: ACMG Guidelines, 2015. Collection method: clinical testing. Allele origin: germline.
Comment: The PLEC c.9166G>A variant is predicted to result in the amino acid substitution p.Val3056Ile. To our knowledge, this variant has not been reported in the literature. This variant is reported in 0.0048% of alleles in individuals of European (Non-Finnish) descent in gnomAD. At this time, the clinical significance of this variant is uncertain due to the absence of conclusive functional and genetic evidence.

Labcorp Genetics (formerly Invitae), Labcorp
Classification: Uncertain significance for Autosomal recessive limb-girdle muscular dystrophy type 2Q; Epidermolysis bullosa simplex, Ogna type; Epidermolysis bullosa simplex with nail dystrophy; Epidermolysis bullosa simplex 5C, with pyloric atresia; Epidermolysis bullosa simplex 5B, with muscular dystrophy. Last evaluated: 2025-11-22. Review status: criteria provided, single submitter. Criteria: Invitae Variant Classification Sherloc (09022015). Collection method: clinical testing. Allele origin: germline.
Comment: This sequence change replaces valine, which is neutral and non-polar, with isoleucine, which is neutral and non-polar, at codon 3056 of the PLEC protein (p.Val3056Ile). This variant is present in population databases (rs781937969, gnomAD 0.005%). This variant has not been reported in the literature in individuals affected with PLEC-related conditions. ClinVar contains an entry for this variant (Variation ID: 835043). An algorithm developed to predict the effect of missense changes on protein structure and function (PolyPhen-2) suggests that this variant is likely to be tolerated. In summary, the available evidence is currently insufficient to determine the role of this variant in disease. Therefore, it has been classified as a Variant of Uncertain Significance.

Ambry Genetics
Classification: Uncertain significance for Inborn genetic diseases. Last evaluated: 2024-03-04. Review status: criteria provided, single submitter. Criteria: Ambry Variant Classification Scheme 2023. Collection method: clinical testing. Allele origin: germline.